The following is an entry in ClinVar:

NM_000083.3(CLCN1):c.1061T>G (p.Ile354Ser)

Gene: CLCN1 (chloride voltage-gated channel 1; plus strand). Cytogenetic location: 7q34.
Variant type: single nucleotide variant.
Coding change: c.1061T>G on transcript NM_000083.3 (MANE Select); coding-DNA position 1061, T replaced by G.
Protein change: p.Ile354Ser; replaces isoleucine 354 with serine.
Molecular consequence: missense variant. On other transcripts: non-coding transcript variant (1).
Genome position (GRCh38, 1-based): chr7:143,331,313, T>G. VCF-style: chr7-143331313-T-G. GRCh37 (hg19) VCF-style: chr7-143028406-T-G.
Other names: short protein forms I354S.
Identifiers: ClinVar variation 995069 (VCV000995069.5), dbSNP rs1682810737, ClinGen allele CA369641939.

ClinVar aggregate classification (germline): Conflicting classifications of pathogenicity. Review status: criteria provided, conflicting classifications (1 of 4 stars). 3 submissions from 3 submitters: Likely pathogenic (1); Uncertain significance (2). Last evaluated 2025-04-21.

Conditions:
Inborn genetic diseases. Identifiers: MedGen C0950123, MeSH D030342.
Congenital myotonia, autosomal dominant form (THD). Also called: THOMSEN DISEASE; Myotonia congenita autosomal dominant. Identifiers: Orphanet 614, MedGen C2936781, MONDO:0008055, OMIM 160800.
Congenital myotonia, autosomal recessive form. Also called: BECKER DISEASE; Becker Generalized Myotonia; myotonia congenita, autosomal recessive. Identifiers: Orphanet 614, MedGen C0751360, MONDO:0009715, OMIM 255700.

Allele frequency attached by ClinVar (database versions not stated): gnomAD 0.00001.
gnomAD v4.1: 1 of 1,608,308 alleles (0.000062%); highest among the groups gnomAD compares: African/African-American, 0.0013%; no homozygotes.

Submissions (3):

Labcorp Genetics (formerly Invitae), Labcorp
Classification: Likely pathogenic for Congenital myotonia, autosomal recessive form; Congenital myotonia, autosomal dominant form. Last evaluated: 2025-04-21. Review status: criteria provided, single submitter. Criteria: Invitae Variant Classification Sherloc (09022015). Collection method: clinical testing. Allele origin: germline.
Comment: This sequence change replaces isoleucine, which is neutral and non-polar, with serine, which is neutral and polar, at codon 354 of the CLCN1 protein (p.Ile354Ser). This variant is not present in population databases (gnomAD no frequency). This missense change has been observed in individual(s) with autosomal recessive myotonia congenita (internal data). In at least one individual the data is consistent with being in trans (on the opposite chromosome) from a pathogenic variant. ClinVar contains an entry for this variant (Variation ID: 995069). Invitae Evidence Modeling of protein sequence and biophysical properties (such as structural, functional, and spatial information, amino acid conservation, physicochemical variation, residue mobility, and thermodynamic stability) indicates that this missense variant is expected to disrupt CLCN1 protein function with a positive predictive value of 95%. In summary, the currently available evidence indicates that the variant is pathogenic, but additional data are needed to prove that conclusively. Therefore, this variant has been classified as Likely Pathogenic.

Ambry Genetics
Classification: Uncertain significance for Inborn genetic diseases. Last evaluated: 2021-11-08. Review status: criteria provided, single submitter. Criteria: Ambry Variant Classification Scheme 2023. Collection method: clinical testing. Allele origin: germline.

Athena Diagnostics
Classification: Uncertain significance. Last evaluated: 2019-09-23. Review status: criteria provided, single submitter. Criteria: Athena Diagnostics Criteria. Collection method: clinical testing. Allele origin: unknown.